The following is an entry in ClinVar:

NM_201384.3(PLEC):c.9017C>G (p.Ser3006Cys)

Gene: PLEC (plectin; minus strand). Cytogenetic location: 8q24.3.
Variant type: single nucleotide variant.
Coding change: c.9017C>G on transcript NM_201384.3 (MANE Select); coding-DNA position 9017, C replaced by G.
Protein change: p.Ser3006Cys; replaces serine 3006 with cysteine.
Molecular consequence: missense variant.
Genome position (GRCh38, 1-based): chr8:143,920,804, G>C on the plus strand (C>G on the coding strand, the complement: PLEC is on the minus strand). VCF-style: chr8-143920804-G-C. GRCh37 (hg19) VCF-style: chr8-144994972-G-C.
Other names: c.9098C>G, p.Ser3033Cys (NM_000445.5); c.5717C>G, p.Ser1906Cys (NM_001410941.1); c.8975C>G, p.Ser2992Cys (NM_201378.4); c.8951C>G, p.Ser2984Cys (NM_201379.3); c.9428C>G, p.Ser3143Cys (NM_201380.4); c.8921C>G, p.Ser2974Cys (NM_201381.3); c.9017C>G, p.Ser3006Cys (NM_201382.4); c.9029C>G, p.Ser3010Cys (NM_201383.3); short protein forms S1906C, S2992C, S3006C, S3010C, S3033C, S2974C, S2984C, S3143C.
Identifiers: ClinVar variation 2944555 (VCV002944555.3), dbSNP rs1054772028, ClinGen allele CA372514313.

ClinVar aggregate classification (germline): Uncertain significance (1 of 4 stars; one submission).

Conditions:
Epidermolysis bullosa simplex with nail dystrophy (EBS5D). Identifiers: MedGen C4225309, MONDO:0014661, OMIM 616487.
Epidermolysis bullosa simplex, Ogna type (EBS5A). Also called: Pidermolysis bullosa simplex 5A, Ogna type; EPIDERMOLYSIS BULLOSA SIMPLEX 5A, OGNA TYPE. Identifiers: Orphanet 79401, MedGen C0432317, MONDO:0007555, OMIM 131950.
Autosomal recessive limb-girdle muscular dystrophy type 2Q (LGMDR17). Also called: MUSCULAR DYSTROPHY, LIMB-GIRDLE, AUTOSOMAL RECESSIVE 17. Identifiers: Orphanet 254361, MedGen C3150989, MONDO:0013390, OMIM 613723.
Epidermolysis bullosa simplex 5B, with muscular dystrophy (EBS5B). Also called: EPIDERMOLYSIS BULLOSA SIMPLEX AND LIMB-GIRDLE MUSCULAR DYSTROPHY; Epidermolysis bullosa simplex with muscular dystrophy. Identifiers: Orphanet 257, MedGen C2931072, MONDO:0009181, OMIM 226670.
Epidermolysis bullosa simplex 5C, with pyloric atresia (EBS5C). Also called: PLEC-Related Epidermolysis Bullosa with Pyloric Atresia; Epidermolysis bullosa simplex with pyloric atresia; PLEC1-Related Epidermolysis Bullosa with Pyloric Atresia. Identifiers: Orphanet 158684, MedGen C2677349, MONDO:0012807, OMIM 612138.

Submission:

Labcorp Genetics (formerly Invitae), Labcorp
Classification: Uncertain significance for Autosomal recessive limb-girdle muscular dystrophy type 2Q; Epidermolysis bullosa simplex, Ogna type; Epidermolysis bullosa simplex with nail dystrophy; Epidermolysis bullosa simplex 5C, with pyloric atresia; Epidermolysis bullosa simplex 5B, with muscular dystrophy. Last evaluated: 2024-11-04. Review status: criteria provided, single submitter. Criteria: Invitae Variant Classification Sherloc (09022015). Collection method: clinical testing. Allele origin: germline.
Comment: This sequence change replaces serine, which is neutral and polar, with cysteine, which is neutral and slightly polar, at codon 3033 of the PLEC protein (p.Ser3033Cys). This variant is not present in population databases (gnomAD no frequency). This variant has not been reported in the literature in individuals affected with PLEC-related conditions. ClinVar contains an entry for this variant (Variation ID: 2944555). Invitae Evidence Modeling of protein sequence and biophysical properties (such as structural, functional, and spatial information, amino acid conservation, physicochemical variation, residue mobility, and thermodynamic stability) has been performed for this missense variant. However, the output from this modeling did not meet the statistical confidence thresholds required to predict the impact of this variant on PLEC protein function. In summary, the available evidence is currently insufficient to determine the role of this variant in disease. Therefore, it has been classified as a Variant of Uncertain Significance.